The following is an entry in ClinVar:

ClinVar aggregate classification (germline): Uncertain significance (1 of 4 stars; one submission).

Conditions:
Inborn genetic diseases. Identifiers: MedGen C0950123, MeSH D030342.

Submission:

Ambry Genetics
Classification: Uncertain significance for Inborn genetic diseases. Last evaluated: 2022-06-13. Review status: criteria provided, single submitter. Criteria: Ambry Variant Classification Scheme 2023. Collection method: clinical testing. Allele origin: germline.
Comment: The p.F824C variant (also known as c.2471T>G), located in coding exon 11 of the ATR gene, results from a T to G substitution at nucleotide position 2471. The phenylalanine at codon 824 is replaced by cysteine, an amino acid with highly dissimilar properties. This amino acid position is conserved. In addition, this alteration is predicted to be deleterious by in silico analysis. Since supporting evidence is limited at this time, the clinical significance of this alteration remains unclear.

NM_001184.4(ATR):c.2471T>G (p.Phe824Cys)

Gene: ATR (ATR checkpoint kinase; minus strand). Cytogenetic location: 3q23.
Variant type: single nucleotide variant.
Coding change: c.2471T>G on transcript NM_001184.4 (MANE Select); coding-DNA position 2471, T replaced by G.
Protein change: p.Phe824Cys; replaces phenylalanine 824 with cysteine.
Molecular consequence: missense variant.
Genome position (GRCh38, 1-based): chr3:142,553,886, A>C on the plus strand (T>G on the coding strand, the complement: ATR is on the minus strand). VCF-style: chr3-142553886-A-C. GRCh37 (hg19) VCF-style: chr3-142272728-A-C.
Other names: c.2279T>G, p.Phe760Cys (NM_001354579.2); short protein forms F760C, F824C.
Identifiers: ClinVar variation 1791789 (VCV001791789.2), dbSNP rs2473385717, ClinGen allele CA354816549.
Genomic context (GRCh38, chr3:142,553,886, plus strand): 5'-TCCTTTATAAATCCATCTTCAGAGTCCAAGGATTCCAATATGTGCTTGATATTTCCACTA[A>C]AAGCCACTCTAACATCTTTGTCTGGATCTTCCATTAAATTTAATAAAGTTCCAAGAACTG-3'
Protein context (NP_001175.2, residues 814-834): EDPDKDVRVA[Phe824Cys]SGNIKHILES